The following is an entry in ClinVar:

NM_001079855.2(GYG2):c.1139T>C (p.Ile380Thr)

Gene: GYG2 (glycogenin 2; plus strand). Cytogenetic location: Xp22.33.
Variant type: single nucleotide variant.
Coding change: c.1139T>C on transcript NM_001079855.2 (MANE Select); coding-DNA position 1139, T replaced by C.
Protein change: p.Ile380Thr; replaces isoleucine 380 with threonine.
Molecular consequence: missense variant. On other transcripts: intron variant (2).
Genome position (GRCh38, 1-based): chrX:2,875,910, T>C. VCF-style: chrX-2875910-T-C. GRCh37 (hg19) VCF-style: chrX-2793951-T-C.
Other names: c.1139T>C, p.Ile380Thr (NM_001184702.2); c.1232T>C, p.Ile411Thr (NM_003918.3); c.1132-5142T>C (NM_001184703.2); c.574-5142T>C (NM_001184704.2); short protein forms I411T, I380T.
Identifiers: ClinVar variation 388248 (VCV000388248.6), dbSNP rs148872483, ClinGen allele CA10337259.

ClinVar aggregate classification (germline): Benign. Review status: criteria provided, multiple submitters, no conflicts (2 of 4 stars). 3 submissions from 3 submitters: Benign (2). 1 of the submissions does not count toward it. Last evaluated 2025-11-01.

Conditions:
GYG2-related disorder. Also called: GYG2-related condition.

Allele frequency attached by ClinVar (database versions not stated): gnomAD exomes 0.00053 and 0.00126; ExAC 0.00089; gnomAD 0.00158 and 0.00174; TOPMed 0.00170; ESP Exome Variant Server 0.00189; 1000 Genomes Project 0.00397; 1000 Genomes Project 30x 0.00458.

Submissions (3):

Labcorp Genetics (formerly Invitae), Labcorp
Classification: Benign. Last evaluated: 2025-11-01. Review status: criteria provided, single submitter. Criteria: Invitae Variant Classification Sherloc (09022015). Collection method: clinical testing. Allele origin: germline.

GeneDx
Classification: Benign. Last evaluated: 2017-01-17. Review status: criteria provided, single submitter. Criteria: GeneDx Variant Classification (06012015). Collection method: clinical testing. Allele origin: germline. Affected: yes.
Comment: This variant is considered likely benign or benign based on one or more of the following criteria: it is a conservative change, it occurs at a poorly conserved position in the protein, it is predicted to be benign by multiple in silico algorithms, and/or has population frequency not consistent with disease.

PreventionGenetics, part of Exact Sciences
Classification: Likely benign for GYG2-related condition. Last evaluated: 2019-02-20. Review status: no assertion criteria provided. Collection method: clinical testing. Allele origin: germline. Not counted in ClinVar's aggregate classification.
Comment: This variant is classified as likely benign based on ACMG/AMP sequence variant interpretation guidelines (Richards et al. 2015 PMID: 25741868, with internal and published modifications).